The following is an entry in ClinVar:

ClinVar aggregate classification (germline): Benign. Review status: criteria provided, multiple submitters, no conflicts (2 of 4 stars). 2 submissions from 2 submitters: Benign (2). Last evaluated 2018-06-14.

Allele frequency attached by ClinVar (database versions not stated): TOPMed 0.48684; 1000 Genomes Project 30x 0.49547; 1000 Genomes Project 0.50300; gnomAD 0.50557 and 0.51230.
gnomAD v4.1: 78,085 of 151,964 alleles (51%); highest among the groups gnomAD compares: East Asian, 78%; 23,930 homozygotes.

Submissions (2):

GeneDx
Classification: Benign. Last evaluated: 2018-06-14. Review status: criteria provided, single submitter. Criteria: GeneDx Variant Classification (06012015). Collection method: clinical testing. Allele origin: germline. Affected: yes.
Comment: This variant is considered likely benign or benign based on one or more of the following criteria: it is a conservative change, it occurs at a poorly conserved position in the protein, it is predicted to be benign by multiple in silico algorithms, and/or has population frequency not consistent with disease.

Breakthrough Genomics
Classification: Benign. Review status: criteria provided, single submitter. Criteria: ACMG Guidelines, 2015. Collection method: not provided. Allele origin: germline. Inheritance: Autosomal recessive inheritance. Affected: yes.

NM_015340.4(LARS2):c.859-201G>A

Gene: LARS2 (leucyl-tRNA synthetase 2, mitochondrial; plus strand). Cytogenetic location: 3p21.31.
Variant type: single nucleotide variant.
Coding change: c.859-201G>A on transcript NM_015340.4 (MANE Select); 201 bases into the intron before coding-DNA position 859, G replaced by A.
Molecular consequence: intron variant.
Genome position (GRCh38, 1-based): chr3:45,476,267, G>A. VCF-style: chr3-45476267-G-A. GRCh37 (hg19) VCF-style: chr3-45517759-G-A.
Other names: c.859-201G>A (NM_001368263.1).
Identifiers: ClinVar variation 684170 (VCV000684170.2), dbSNP rs12487705, ClinGen allele CA15259688.